The following is an entry in ClinVar:

ClinVar aggregate classification (germline): Uncertain significance. Review status: criteria provided, multiple submitters, no conflicts (2 of 4 stars). 2 submissions from 2 submitters: Uncertain significance (2). Last evaluated 2022-08-08.

Conditions:
Primary ciliary dyskinesia. Also called: Ciliary dyskinesia. Identifiers: Orphanet 244, MedGen C0008780, MONDO:0016575, HP:0012265.

Allele frequency attached by ClinVar (database versions not stated): gnomAD exomes 0.00001 and below 0.00001; TOPMed 0.00002; ExAC 0.00003.
gnomAD v4.1: 7 of 1,614,078 alleles (0.00043%); highest among the groups gnomAD compares: Admixed American, 0.0067%; no homozygotes.

Submissions (2):

Ambry Genetics
Classification: Uncertain significance. Last evaluated: 2022-08-08. Review status: criteria provided, single submitter. Criteria: Ambry Variant Classification Scheme 2023. Collection method: clinical testing. Allele origin: germline.

Labcorp Genetics (formerly Invitae), Labcorp
Classification: Uncertain significance for Primary ciliary dyskinesia. Last evaluated: 2021-10-27. Review status: criteria provided, single submitter. Criteria: Invitae Variant Classification Sherloc (09022015). Collection method: clinical testing. Allele origin: germline.
Comment: This sequence change replaces valine, which is neutral and non-polar, with isoleucine, which is neutral and non-polar, at codon 2435 of the DNAH8 protein (p.Val2435Ile). This variant is present in population databases (rs749048233, gnomAD 0.009%). In summary, the available evidence is currently insufficient to determine the role of this variant in disease. Therefore, it has been classified as a Variant of Uncertain Significance. Algorithms developed to predict the effect of missense changes on protein structure and function are either unavailable or do not agree on the potential impact of this missense change (SIFT: "Deleterious"; PolyPhen-2: "Not Available"; Align-GVGD: "Class C0"). ClinVar contains an entry for this variant (Variation ID: 1041568). This variant has not been reported in the literature in individuals affected with DNAH8-related conditions.

NM_001206927.2(DNAH8):c.7303G>A (p.Val2435Ile)

Gene: DNAH8 (dynein axonemal heavy chain 8; plus strand). Cytogenetic location: 6p21.2.
Variant type: single nucleotide variant.
Coding change: c.7303G>A on transcript NM_001206927.2 (MANE Select); coding-DNA position 7303, G replaced by A.
Protein change: p.Val2435Ile; replaces valine 2435 with isoleucine.
Molecular consequence: missense variant.
Genome position (GRCh38, 1-based): chr6:38,872,971, G>A. VCF-style: chr6-38872971-G-A. GRCh37 (hg19) VCF-style: chr6-38840747-G-A.
Other names: c.6652G>A, p.Val2218Ile (NM_001371.4); c.7303G>A (NM_001206927.1); short protein forms V2435I, V2218I.
Identifiers: ClinVar variation 1041568 (VCV001041568.17), dbSNP rs749048233, ClinGen allele CA3789889.